The following is an entry in ClinVar:

ClinVar aggregate classification (germline): Likely pathogenic (1 of 4 stars; one submission).

Conditions:
Autosomal dominant nonsyndromic hearing loss 20. Identifiers: Orphanet 90635, MedGen C1858172, MONDO:0011480, OMIM 604717.
Baraitser-winter syndrome 2. Identifiers: Orphanet 2995, MedGen C3281235, MONDO:0013812, OMIM 614583.

Allele frequency attached by ClinVar (database versions not stated): gnomAD exomes below 0.00001.

Submission:

Labcorp Genetics (formerly Invitae), Labcorp
Classification: Likely pathogenic for Baraitser-winter syndrome 2; Autosomal dominant nonsyndromic hearing loss 20. Last evaluated: 2023-01-18. Review status: criteria provided, single submitter. Criteria: Invitae Variant Classification Sherloc (09022015). Collection method: clinical testing. Allele origin: germline.
Comment: This sequence change replaces glycine, which is neutral and non-polar, with alanine, which is neutral and non-polar, at codon 63 of the ACTG1 protein (p.Gly63Ala). This variant is not present in population databases (gnomAD no frequency). This missense change has been observed in individual(s) with clinical features of ACTG1-related conditions (Invitae). In at least one individual the variant was observed to be de novo. Advanced modeling of protein sequence and biophysical properties (such as structural, functional, and spatial information, amino acid conservation, physicochemical variation, residue mobility, and thermodynamic stability) performed at Invitae indicates that this missense variant is not expected to disrupt ACTG1 protein function. In summary, the currently available evidence indicates that the variant is pathogenic, but additional data are needed to prove that conclusively. Therefore, this variant has been classified as Likely Pathogenic.

NM_001614.5(ACTG1):c.188G>C (p.Gly63Ala)

Gene: ACTG1 (actin gamma 1; minus strand). Cytogenetic location: 17q25.3.
Variant type: single nucleotide variant.
Coding change: c.188G>C on transcript NM_001614.5 (MANE Select); coding-DNA position 188, G replaced by C.
Protein change: p.Gly63Ala; replaces glycine 63 with alanine.
Molecular consequence: missense variant. On other transcripts: non-coding transcript variant (1).
Genome position (GRCh38, 1-based): chr17:81,512,078, C>G on the plus strand (G>C on the coding strand, the complement: ACTG1 is on the minus strand). VCF-style: chr17-81512078-C-G. GRCh37 (hg19) VCF-style: chr17-79479104-C-G.
Other names: c.188G>C, p.Gly63Ala (NM_001199954.3); short protein forms G63A.
Identifiers: ClinVar variation 2003119 (VCV002003119.4), dbSNP rs2544392140, ClinGen allele CA401463210.